The following is an entry in ClinVar:

ClinVar aggregate classification (germline): Likely pathogenic (1 of 4 stars; one submission).

Conditions:
Multiple Myeloma Predisposition.

gnomAD v4.1: 4 of 1,611,264 alleles (0.00025%); highest among the groups gnomAD compares: East Asian, 0.0045%; no homozygotes.

Submission:

Institute for Genomic Medicine (IGM) Clinical Laboratory, Nationwide Children's Hospital
Classification: Likely pathogenic for Multiple Myeloma Predisposition. Last evaluated: 2024-07-22. Review status: criteria provided, single submitter. Criteria: ACMG Guidelines, 2015. Collection method: clinical testing. Allele origin: germline.
Comment: This variant is predicted to result in loss of function through nonsense-mediated decay of the encoded transcript or premature truncation of the encoded protein in a gene in which loss of function is a known mechanism of disease (ACMG/AMP: PVS1; PMIDs:30967618, 36835493). This variant is absent from or present at an exceedingly low frequency in gnomAD, a large-scale control population database (ACMG/AMP: PM2).

Literature cited by the submitters: PubMed 30967618; PubMed 36835493.

NM_014953.5(DIS3):c.1912C>T (p.Arg638Ter)

Gene: DIS3 (DIS3 exosome endoribonuclease and 3'-5' exoribonuclease; minus strand). Cytogenetic location: 13q21.33.
Variant type: single nucleotide variant.
Coding change: c.1912C>T on transcript NM_014953.5 (MANE Select); coding-DNA position 1912, C replaced by T.
Protein change: p.Arg638Ter; replaces arginine 638 with a stop codon.
Molecular consequence: nonsense.
Genome position (GRCh38, 1-based): chr13:72,766,030, G>A on the plus strand (C>T on the coding strand, the complement: DIS3 is on the minus strand). VCF-style: chr13-72766030-G-A. GRCh37 (hg19) VCF-style: chr13-73340168-G-A.
Other names: c.1822C>T, p.Arg608Ter (NM_001128226.3); c.1543C>T, p.Arg515Ter (NM_001322348.2); c.1426C>T, p.Arg476Ter (NM_001322349.2); short protein forms R476*, R515*, R608*, R638*.
Identifiers: ClinVar variation 4759281 (VCV004759281.1).